The following is an entry in ClinVar:

NM_000063.6(C2):c.1324A>G (p.Thr442Ala)

Gene: C2 (complement C2; plus strand). Cytogenetic location: 6p21.33.
Variant type: single nucleotide variant.
Coding change: c.1324A>G on transcript NM_000063.6 (MANE Select); coding-DNA position 1324, A replaced by G.
Protein change: p.Thr442Ala; replaces threonine 442 with alanine.
Molecular consequence: missense variant.
Genome position (GRCh38, 1-based): chr6:31,943,063, A>G. VCF-style: chr6-31943063-A-G. GRCh37 (hg19) VCF-style: chr6-31910840-A-G.
Other names: c.1324A>G (NM_000063.4); c.928A>G, p.Thr310Ala (NM_001145903.3); c.682A>G, p.Thr228Ala (NM_001178063.3); c.586A>G, p.Thr196Ala (NM_001282457.2); c.1237A>G, p.Thr413Ala (NM_001282458.2); short protein forms T196A, T228A, T413A, T310A, T442A.
Identifiers: ClinVar variation 1449986 (VCV001449986.5), dbSNP rs140133472, ClinGen allele CA3727676.

ClinVar aggregate classification (germline): Conflicting classifications of pathogenicity. Review status: criteria provided, conflicting classifications (1 of 4 stars). 3 submissions from 3 submitters: Uncertain significance (1); Likely benign (2). Last evaluated 2025-08-12.

Allele frequency attached by ClinVar (database versions not stated): gnomAD exomes 0.00004 and 0.00007; ExAC 0.00010; ESP Exome Variant Server 0.00012; TOPMed 0.00041; gnomAD 0.00045 and 0.00047; 1000 Genomes Project 30x 0.00047; 1000 Genomes Project 0.00060.
gnomAD v4.1: 130 of 1,613,098 alleles (0.0081%); highest among the groups gnomAD compares: African/African-American, 0.17%; 1 homozygote.

Submissions (3):

Ambry Genetics
Classification: Likely benign. Last evaluated: 2025-08-12. Review status: criteria provided, single submitter. Criteria: Ambry Variant Classification Scheme 2023. Collection method: clinical testing. Allele origin: germline.

Blueprint Genetics
Classification: Likely benign. Last evaluated: 2023-05-26. Review status: criteria provided, single submitter. Criteria: ACMG Guidelines, 2015. Collection method: clinical testing. Allele origin: germline.

Labcorp Genetics (formerly Invitae), Labcorp
Classification: Uncertain significance. Last evaluated: 2022-11-01. Review status: criteria provided, single submitter. Criteria: Invitae Variant Classification Sherloc (09022015). Collection method: clinical testing. Allele origin: germline.
Comment: This sequence change replaces threonine, which is neutral and polar, with alanine, which is neutral and non-polar, at codon 442 of the C2 protein (p.Thr442Ala). This variant is present in population databases (rs140133472, gnomAD 0.1%). This variant has not been reported in the literature in individuals affected with C2-related conditions. ClinVar contains an entry for this variant (Variation ID: 1449986). Algorithms developed to predict the effect of missense changes on protein structure and function output the following: SIFT: "Tolerated"; PolyPhen-2: "Benign"; Align-GVGD: "Class C0". The alanine amino acid residue is found in multiple mammalian species, which suggests that this missense change does not adversely affect protein function. In summary, the available evidence is currently insufficient to determine the role of this variant in disease. Therefore, it has been classified as a Variant of Uncertain Significance.